The following is an entry in ClinVar:

NM_000256.3(MYBPC3):c.3022A>G (p.Thr1008Ala)

Gene: MYBPC3 (myosin binding protein C3; minus strand). Cytogenetic location: 11p11.2.
Variant type: single nucleotide variant.
Coding change: c.3022A>G on transcript NM_000256.3 (MANE Select); coding-DNA position 3022, A replaced by G.
Protein change: p.Thr1008Ala; replaces threonine 1008 with alanine.
Molecular consequence: missense variant.
Genome position (GRCh38, 1-based): chr11:47,333,725, T>C on the plus strand (A>G on the coding strand, the complement: MYBPC3 is on the minus strand). VCF-style: chr11-47333725-T-C. GRCh37 (hg19) VCF-style: chr11-47355276-T-C.
Other names: short protein forms T1008A.
Identifiers: ClinVar variation 3071743 (VCV003071743.3), dbSNP rs1184764743, ClinGen allele CA380315614.

ClinVar aggregate classification (germline): Uncertain significance. Review status: criteria provided, multiple submitters, no conflicts (2 of 4 stars). 3 submissions from 3 submitters: Uncertain significance (3). Last evaluated 2025-08-03.

Conditions:
Cardiovascular phenotype. Identifiers: MedGen CN230736.
Hypertrophic cardiomyopathy. Also called: HYPERTROPHIC MYOCARDIOPATHY. Identifiers: Orphanet 217569, MedGen C0007194, MeSH D002312, MONDO:0005045, HP:0001639.

Allele frequency attached by ClinVar (database versions not stated): TOPMed below 0.00001.
gnomAD v4.1: 1 of 1,606,516 alleles (0.000062%); highest among the groups gnomAD compares: Non-Finnish European, 0.000085%; no homozygotes.

Submissions (3):

Ambry Genetics
Classification: Uncertain significance for Cardiovascular phenotype. Last evaluated: 2025-08-03. Review status: criteria provided, single submitter. Criteria: Ambry Variant Classification Scheme 2023. Collection method: clinical testing. Allele origin: germline.
Comment: The p.T1008A variant (also known as c.3022A>G), located in coding exon 29 of the MYBPC3 gene, results from an A to G substitution at nucleotide position 3022. The threonine at codon 1008 is replaced by alanine, an amino acid with similar properties. This amino acid position is conserved. In addition, this alteration is predicted to be tolerated by in silico analysis. Based on the available evidence, the clinical significance of this variant remains unclear.

Labcorp Genetics (formerly Invitae), Labcorp
Classification: Uncertain significance for Hypertrophic cardiomyopathy. Last evaluated: 2025-05-01. Review status: criteria provided, single submitter. Criteria: Invitae Variant Classification Sherloc (09022015). Collection method: clinical testing. Allele origin: germline.
Comment: This sequence change replaces threonine, which is neutral and polar, with alanine, which is neutral and non-polar, at codon 1008 of the MYBPC3 protein (p.Thr1008Ala). This variant is not present in population databases (gnomAD no frequency). This variant has not been reported in the literature in individuals affected with MYBPC3-related conditions. ClinVar contains an entry for this variant (Variation ID: 3071743). An algorithm developed to predict the effect of missense changes on protein structure and function (PolyPhen-2) suggests that this variant is likely to be tolerated. In summary, the available evidence is currently insufficient to determine the role of this variant in disease. Therefore, it has been classified as a Variant of Uncertain Significance.

All of Us Research Program, National Institutes of Health
Classification: Uncertain significance for Hypertrophic cardiomyopathy. Last evaluated: 2023-06-28. Review status: criteria provided, single submitter. Criteria: ACMG Guidelines, 2015. Collection method: clinical testing. Allele origin: germline. Inheritance: Autosomal dominant inheritance. Observed: 1 variant allele, 1 heterozygote.
Comment: This study involves interpretation of variants in research participants for the purpose of population health screening. Participant phenotype was not available at the time of variant classification. Additional details can be found in publication PMID: 35346344, PMCID: PMC8962531